The following is an entry in ClinVar:

NM_004655.4(AXIN2):c.2159A>G (p.Gln720Arg)

Gene: AXIN2 (axin 2; minus strand). Cytogenetic location: 17q24.1.
Variant type: single nucleotide variant.
Coding change: c.2159A>G on transcript NM_004655.4 (MANE Select); coding-DNA position 2159, A replaced by G.
Protein change: p.Gln720Arg; replaces glutamine 720 with arginine.
Molecular consequence: missense variant.
Genome position (GRCh38, 1-based): chr17:65,535,704, T>C on the plus strand (A>G on the coding strand, the complement: AXIN2 is on the minus strand). VCF-style: chr17-65535704-T-C. GRCh37 (hg19) VCF-style: chr17-63531822-T-C.
Other names: c.2159A>G (LRG_296t1); c.1964A>G, p.Gln655Arg (NM_001363813.1); short protein forms Q720R, Q655R.
Identifiers: ClinVar variation 408824 (VCV000408824.12), dbSNP rs1060502147, ClinGen allele CA16615853.

ClinVar aggregate classification (germline): Uncertain significance. Review status: criteria provided, multiple submitters, no conflicts (2 of 4 stars). 2 submissions from 2 submitters: Uncertain significance (2). Last evaluated 2023-01-16.

Conditions:
Hereditary cancer-predisposing syndrome. Also called: Hereditary Cancer Syndrome; Hereditary neoplastic syndrome; Neoplastic Syndromes, Hereditary; Tumor predisposition. Identifiers: Orphanet 140162, MedGen C0027672, MeSH D009386, MONDO:0015356.
Oligodontia-cancer predisposition syndrome. Also called: TOOTH AGENESIS-COLORECTAL CANCER SYNDROME. Identifiers: Orphanet 300576, MedGen C1837750, MONDO:0012075, OMIM 608615. Disease mechanism: loss of function.

Submissions (2):

Ambry Genetics
Classification: Uncertain significance for Hereditary cancer-predisposing syndrome. Last evaluated: 2023-01-16. Review status: criteria provided, single submitter. Criteria: Ambry Variant Classification Scheme 2023. Collection method: clinical testing. Allele origin: germline.
Comment: The p.Q720R variant (also known as c.2159A>G), located in coding exon 8 of the AXIN2 gene, results from an A to G substitution at nucleotide position 2159. The glutamine at codon 720 is replaced by arginine, an amino acid with highly similar properties. This amino acid position is conserved. In addition, this alteration is predicted to be tolerated by in silico analysis. Since supporting evidence is limited at this time, the clinical significance of this alteration remains unclear.

Labcorp Genetics (formerly Invitae), Labcorp
Classification: Uncertain significance for Oligodontia-cancer predisposition syndrome. Last evaluated: 2022-03-09. Review status: criteria provided, single submitter. Criteria: Invitae Variant Classification Sherloc (09022015). Collection method: clinical testing. Allele origin: germline.
Comment: In summary, the available evidence is currently insufficient to determine the role of this variant in disease. Therefore, it has been classified as a Variant of Uncertain Significance. Algorithms developed to predict the effect of missense changes on protein structure and function are either unavailable or do not agree on the potential impact of this missense change (SIFT: "Deleterious"; PolyPhen-2: "Possibly Damaging"; Align-GVGD: "Class C0"). ClinVar contains an entry for this variant (Variation ID: 408824). This variant has not been reported in the literature in individuals affected with AXIN2-related conditions. This variant is not present in population databases (gnomAD no frequency). This sequence change replaces glutamine, which is neutral and polar, with arginine, which is basic and polar, at codon 720 of the AXIN2 protein (p.Gln720Arg).